The following is an entry in ClinVar:

NM_032043.3(BRIP1):c.887A>C (p.Glu296Ala)

Gene: BRIP1 (BRCA1 interacting DNA helicase 1; minus strand). Cytogenetic location: 17q23.2.
Variant type: single nucleotide variant.
Coding change: c.887A>C on transcript NM_032043.3 (MANE Select); coding-DNA position 887, A replaced by C.
Protein change: p.Glu296Ala; replaces glutamic acid 296 with alanine.
Molecular consequence: missense variant.
Genome position (GRCh38, 1-based): chr17:61,808,498, T>G on the plus strand (A>C on the coding strand, the complement: BRIP1 is on the minus strand). VCF-style: chr17-61808498-T-G. GRCh37 (hg19) VCF-style: chr17-59885859-T-G.
Other names: short protein forms E296A.
Identifiers: ClinVar variation 569668 (VCV000569668.11), dbSNP rs878855158, ClinGen allele CA400484702.

ClinVar aggregate classification (germline): Uncertain significance (1 of 4 stars; one submission).

Conditions:
Fanconi anemia complementation group J. Also called: BRIP1-Related Fanconi Anemia. Identifiers: Orphanet 84, MedGen C1836860, MONDO:0012187, OMIM 609054.
Familial cancer of breast. Also called: BREAST CANCER, FAMILIAL; hereditary breast carcinoma; Hereditary breast cancer. Identifiers: Orphanet 227535, MedGen C0346153, MONDO:0016419, OMIM 114480. Disease mechanism: loss of function.

Submission:

Labcorp Genetics (formerly Invitae), Labcorp
Classification: Uncertain significance for Familial cancer of breast; Fanconi anemia complementation group J. Last evaluated: 2019-10-18. Review status: criteria provided, single submitter. Criteria: Invitae Variant Classification Sherloc (09022015). Collection method: clinical testing. Allele origin: germline.
Comment: This sequence change replaces glutamic acid with alanine at codon 296 of the BRIP1 protein (p.Glu296Ala). The glutamic acid residue is highly conserved and there is a moderate physicochemical difference between glutamic acid and alanine. In summary, the available evidence is currently insufficient to determine the role of this variant in disease. Therefore, it has been classified as a Variant of Uncertain Significance. Algorithms developed to predict the effect of missense changes on protein structure and function do not agree on the potential impact of this missense change (SIFT: "Deleterious"; PolyPhen-2: "Possibly Damaging"; Align-GVGD: "Class C15"). This variant has not been reported in the literature in individuals with BRIP1-related disease. This variant is not present in population databases (ExAC no frequency).